The following is an entry in ClinVar:

NM_003823.4(TNFRSF6B):c.542T>G (p.Leu181Arg)

Genes: RTEL1-TNFRSF6B (RTEL1-TNFRSF6B readthrough (NMD candidate); plus strand), TNFRSF6B (TNF receptor superfamily member 6b; plus strand). Cytogenetic location: 20q13.33.
Variant type: single nucleotide variant.
Coding change: c.542T>G on transcript NM_003823.4 (MANE Select); coding-DNA position 542, T replaced by G.
Protein change: p.Leu181Arg; replaces leucine 181 with arginine.
Molecular consequence: missense variant. On other transcripts: non-coding transcript variant (1).
Genome position (GRCh38, 1-based): chr20:63,697,445, T>G. VCF-style: chr20-63697445-T-G. GRCh37 (hg19) VCF-style: chr20-62328798-T-G.
Other names: short protein forms L181R.
Identifiers: ClinVar variation 2192613 (VCV002192613.4), dbSNP rs748770729, ClinGen allele CA9966500.

ClinVar aggregate classification (germline): Uncertain significance (1 of 4 stars; one submission).

Allele frequency attached by ClinVar (database versions not stated): gnomAD 0.00002; gnomAD exomes 0.00003; TOPMed 0.00003; ExAC 0.00006.

Submission:

Labcorp Genetics (formerly Invitae), Labcorp
Classification: Uncertain significance. Last evaluated: 2025-10-01. Review status: criteria provided, single submitter. Criteria: Invitae Variant Classification Sherloc (09022015). Collection method: clinical testing. Allele origin: germline.
Comment: This sequence change replaces leucine, which is neutral and non-polar, with arginine, which is basic and polar, at codon 181 of the TNFRSF6B protein (p.Leu181Arg). This variant is present in population databases (rs748770729, gnomAD 0.01%). This variant has not been reported in the literature in individuals affected with TNFRSF6B-related conditions. ClinVar contains an entry for this variant (Variation ID: 2192613). An algorithm developed to predict the effect of missense changes on protein structure and function (PolyPhen-2) suggests that this variant is likely to be tolerated. In summary, the available evidence is currently insufficient to determine the role of this variant in disease. Therefore, it has been classified as a Variant of Uncertain Significance.